The following is an entry in ClinVar:

ClinVar aggregate classification (germline): Uncertain significance (1 of 4 stars; one submission).

Submission:

GeneDx
Classification: Uncertain significance. Last evaluated: 2021-06-29. Review status: criteria provided, single submitter. Criteria: GeneDx Variant Classification Process June 2021. Collection method: clinical testing. Allele origin: germline. Affected: yes.
Comment: Not observed at significant frequency in large population cohorts (Lek et al., 2016); In silico analysis supports that this missense variant has a deleterious effect on protein structure/function; Has not been previously published as pathogenic or benign to our knowledge; This variant is associated with the following publications: (PMID: 27535533)

NM_001375524.1(TRRAP):c.1187C>T (p.Ser396Phe)

Gene: TRRAP (transformation/transcription domain associated protein; plus strand). Cytogenetic location: 7q22.1.
Variant type: single nucleotide variant.
Coding change: c.1187C>T on transcript NM_001375524.1 (MANE Select); coding-DNA position 1187, C replaced by T.
Protein change: p.Ser396Phe; replaces serine 396 with phenylalanine.
Molecular consequence: missense variant.
Genome position (GRCh38, 1-based): chr7:98,908,799, C>T. VCF-style: chr7-98908799-C-T. GRCh37 (hg19) VCF-style: chr7-98506422-C-T.
Other names: c.1187C>T, p.Ser396Phe (NM_001244580.2, NM_003496.4); short protein forms S396F.
Identifiers: ClinVar variation 1326756 (VCV001326756.2), dbSNP rs2116398118, ClinGen allele CA368283761.
Genomic context (GRCh38, chr7:98,908,799, plus strand): 5'-ACAGCACGCTGGCCGACCTCGTGCACCATGTCCGCCAGCACCTGCCCCTCAGCGACCTCT[C>T]CCTCGCCGTCCAGCTCTTCGCCAAGAACATCGACGATGAGTCCCTGCCCAGCAGCATCCA-3'
Protein context (NP_001362453.1, residues 386-406): VRQHLPLSDL[Ser396Phe]LAVQLFAKNI